The following is an entry in ClinVar:

ClinVar aggregate classification (germline): Uncertain significance (1 of 4 stars; one submission).

Conditions:
Familial cancer of breast. Also called: BREAST CANCER, FAMILIAL; Hereditary breast cancer; hereditary breast carcinoma. Identifiers: Orphanet 227535, MedGen C0346153, MONDO:0016419, OMIM 114480. Disease mechanism: loss of function.
Fanconi anemia complementation group J. Also called: BRIP1-Related Fanconi Anemia. Identifiers: Orphanet 84, MedGen C1836860, MONDO:0012187, OMIM 609054.

Submission:

Labcorp Genetics (formerly Invitae), Labcorp
Classification: Uncertain significance for Familial cancer of breast; Fanconi anemia complementation group J. Last evaluated: 2024-11-03. Review status: criteria provided, single submitter. Criteria: Invitae Variant Classification Sherloc (09022015). Collection method: clinical testing. Allele origin: germline.
Comment: This sequence change replaces aspartic acid, which is acidic and polar, with asparagine, which is neutral and polar, at codon 1189 of the BRIP1 protein (p.Asp1189Asn). This variant is not present in population databases (gnomAD no frequency). This variant has not been reported in the literature in individuals affected with BRIP1-related conditions. ClinVar contains an entry for this variant (Variation ID: 1713718). Invitae Evidence Modeling of protein sequence and biophysical properties (such as structural, functional, and spatial information, amino acid conservation, physicochemical variation, residue mobility, and thermodynamic stability) indicates that this missense variant is not expected to disrupt BRIP1 protein function with a negative predictive value of 95%. In summary, the available evidence is currently insufficient to determine the role of this variant in disease. Therefore, it has been classified as a Variant of Uncertain Significance.

NM_032043.3(BRIP1):c.3565G>A (p.Asp1189Asn)

Gene: BRIP1 (BRCA1 interacting DNA helicase 1; minus strand). Cytogenetic location: 17q23.2.
Variant type: single nucleotide variant.
Coding change: c.3565G>A on transcript NM_032043.3 (MANE Select); coding-DNA position 3565, G replaced by A.
Protein change: p.Asp1189Asn; replaces aspartic acid 1189 with asparagine.
Molecular consequence: missense variant.
Genome position (GRCh38, 1-based): chr17:61,683,481, C>T on the plus strand (G>A on the coding strand, the complement: BRIP1 is on the minus strand). VCF-style: chr17-61683481-C-T. GRCh37 (hg19) VCF-style: chr17-59760842-C-T.
Other names: short protein forms D1189N.
Identifiers: ClinVar variation 1713718 (VCV001713718.5), dbSNP rs2144071649, ClinGen allele CA400478234.